The following is an entry in ClinVar:

NM_013275.6(ANKRD11):c.6781G>A (p.Glu2261Lys)

Gene: ANKRD11 (ankyrin repeat domain 11; minus strand). Cytogenetic location: 16q24.3.
Variant type: single nucleotide variant.
Coding change: c.6781G>A on transcript NM_013275.6 (MANE Select); coding-DNA position 6781, G replaced by A.
Protein change: p.Glu2261Lys; replaces glutamic acid 2261 with lysine.
Molecular consequence: missense variant.
Genome position (GRCh38, 1-based): chr16:89,279,761, C>T on the plus strand (G>A on the coding strand, the complement: ANKRD11 is on the minus strand). VCF-style: chr16-89279761-C-T. GRCh37 (hg19) VCF-style: chr16-89346169-C-T.
Other names: c.6781G>A, p.Glu2261Lys (NM_001256182.2, NM_001256183.2); short protein forms E2261K.
Identifiers: ClinVar variation 589743 (VCV000589743.37), dbSNP rs770262960, ClinGen allele CA8241342.
Genomic context (GRCh38, chr16:89,279,761, plus strand): 5'-GTGCCACAGTGTTCGGGGCGGGGCCGTCAGGGGCACAGAGGGACGCGGCGGGGGGGCCTT[C>T]AGCCTCAGCCCCCTGGTCTCCGCTCCCCAGTGGGCGCTGTTCTGGGGGAACGGGCGCGGG-3'
Protein context (NP_037407.4, residues 2251-2271): LGSGDQGAEA[Glu2261Lys]GPPAASLCAP

ClinVar aggregate classification (germline): Benign/Likely benign. Review status: criteria provided, multiple submitters, no conflicts (2 of 4 stars). 6 submissions from 6 submitters: Benign (4); Likely benign (2). Last evaluated 2026-03-01.

Conditions:
Inborn genetic diseases. Identifiers: MedGen C0950123, MeSH D030342.
KBG syndrome (KBGS). Also called: ANKRD11-Related KBG Syndrome. Identifiers: Orphanet 2332, MedGen C0220687, MONDO:0007846, OMIM 148050.

Allele frequency attached by ClinVar (database versions not stated): gnomAD 0.00004 and 0.00019; TOPMed 0.00004; 1000 Genomes Project 30x 0.00031; gnomAD exomes 0.00111; ExAC 0.00864.
gnomAD v4.1: 500 of 1,524,040 alleles (0.033%); highest among the groups gnomAD compares: South Asian, 0.5%; 6 homozygotes.

Submissions (6):

CeGaT Center for Human Genetics Tuebingen
Classification: Likely benign. Last evaluated: 2026-03-01. Review status: criteria provided, single submitter. Criteria: CeGaT Center For Human Genetics Tuebingen Variant Classification Criteria Version 2. Collection method: clinical testing. Allele origin: germline. Affected: yes. Observed: 2 variant alleles.
Comment: ANKRD11: BP4, BS1

Labcorp Genetics (formerly Invitae), Labcorp
Classification: Benign for KBG syndrome. Last evaluated: 2025-12-30. Review status: criteria provided, single submitter. Criteria: Invitae Variant Classification Sherloc (09022015). Collection method: clinical testing. Allele origin: germline.

Blueprint Genetics
Classification: Likely benign. Last evaluated: 2024-09-02. Review status: criteria provided, single submitter. Criteria: ACMG Guidelines, 2015. Collection method: clinical testing. Allele origin: germline.

Genome-Nilou Lab
Classification: Benign for KBG syndrome. Last evaluated: 2021-12-05. Review status: criteria provided, single submitter. Criteria: ACMG Guidelines, 2015. Collection method: clinical testing. Allele origin: germline. Affected: no.

GeneDx
Classification: Benign. Last evaluated: 2021-09-17. Review status: criteria provided, single submitter. Criteria: GeneDx Variant Classification Process June 2021. Collection method: clinical testing. Allele origin: germline. Affected: yes.

Ambry Genetics
Classification: Benign for Inborn genetic diseases. Last evaluated: 2017-02-15. Review status: criteria provided, single submitter. Criteria: Ambry Variant Classification Scheme 2023. Collection method: clinical testing. Allele origin: germline.